The following is an entry in ClinVar:

NM_015158.5(KANK1):c.2496G>C (p.Lys832Asn)

Gene: KANK1 (KN motif and ankyrin repeat domains 1; plus strand). Cytogenetic location: 9p24.3.
Variant type: single nucleotide variant.
Coding change: c.2496G>C on transcript NM_015158.5 (MANE Select); coding-DNA position 2496, G replaced by C.
Protein change: p.Lys832Asn; replaces lysine 832 with asparagine.
Molecular consequence: missense variant. On other transcripts: non-coding transcript variant (1).
Genome position (GRCh38, 1-based): chr9:713,262, G>C. VCF-style: chr9-713262-G-C. GRCh37 (hg19) VCF-style: chr9-713262-G-C.
Other names: c.2496G>C (NM_015158.3, NM_015158.2); c.2496G>C, p.Lys832Asn (NM_001256876.3, NM_001256877.3, NM_001354331.2 and 2 more transcripts); c.2022G>C, p.Lys674Asn (NM_001354333.2, NM_001354335.2, NM_001354336.2 and 9 more transcripts); short protein forms K674N, K832N.
Identifiers: ClinVar variation 1579499 (VCV001579499.11), dbSNP rs143785996, ClinGen allele CA4960522.

ClinVar aggregate classification (germline): Likely benign. Review status: criteria provided, multiple submitters, no conflicts (2 of 4 stars). 3 submissions from 3 submitters: Likely benign (2). 1 of the submissions does not count toward it. Last evaluated 2025-10-13.

Conditions:
KANK1-related disorder. Also called: KANK1-related condition.

Allele frequency attached by ClinVar (database versions not stated): gnomAD exomes 0.00007 and 0.00019; ExAC 0.00027; 1000 Genomes Project 30x 0.00047; 1000 Genomes Project 0.00060; ESP Exome Variant Server 0.00062.
gnomAD v4.1: 276 of 1,612,134 alleles (0.017%); highest among the groups gnomAD compares: African/African-American, 0.33%; no homozygotes.

Submissions (3):

Labcorp Genetics (formerly Invitae), Labcorp
Classification: Likely benign. Last evaluated: 2025-10-13. Review status: criteria provided, single submitter. Criteria: Invitae Variant Classification Sherloc (09022015). Collection method: clinical testing. Allele origin: germline.

Ambry Genetics
Classification: Likely benign. Last evaluated: 2025-08-02. Review status: criteria provided, single submitter. Criteria: Ambry Variant Classification Scheme 2023. Collection method: clinical testing. Allele origin: germline.

PreventionGenetics, part of Exact Sciences
Classification: Likely benign for KANK1-related condition. Last evaluated: 2022-08-07. Review status: no assertion criteria provided. Collection method: clinical testing. Allele origin: germline. Not counted in ClinVar's aggregate classification.
Comment: This variant is classified as likely benign based on ACMG/AMP sequence variant interpretation guidelines (Richards et al. 2015 PMID: 25741868, with internal and published modifications).